The following continues an entry in ClinVar:

NM_000179.3(MSH6):c.3119_3120del (p.Asn1039_Phe1040insTer)

Gene: MSH6. ClinVar aggregate classification (germline): Pathogenic. Pathogenic (1).

Submissions 12 to 16 of 16:

Department of Pathology and Laboratory Medicine, Sinai Health System
Classification: Pathogenic for Endometrial carcinoma; Lynch syndrome 5; Mismatch repair cancer syndrome 3. Last evaluated: 2020-12-09. Review status: criteria provided, single submitter. Criteria: ACMG Guidelines, 2015. Collection method: clinical testing. Allele origin: germline. Affected: no. Not counted in ClinVar's aggregate classification.

CeGaT Center for Human Genetics Tuebingen
Classification: Pathogenic. Last evaluated: 2020-09-01. Review status: criteria provided, single submitter. Criteria: CeGaT Center For Human Genetics Tuebingen Variant Classification Criteria Version 2. Collection method: clinical testing. Allele origin: germline. Affected: yes. Observed: 1 variant allele. Not counted in ClinVar's aggregate classification.

Women's Health and Genetics/Laboratory Corporation of America, LabCorp
Classification: Pathogenic for Lynch syndrome. Last evaluated: 2020-03-30. Review status: criteria provided, single submitter. Criteria: LabCorp Variant Classification Summary - May 2015. Collection method: clinical testing. Allele origin: germline. Not counted in ClinVar's aggregate classification.
Comment: Variant summary: MSH6 c.3119_3120delTT (p.Phe1040X) results in a premature termination codon, predicted to cause a truncation of the encoded protein or absence of the protein due to nonsense mediated decay, which are commonly known mechanisms for disease. Truncations downstream of this position have been classified as pathogenic by our laboratory. The variant allele was found at a frequency of 4e-06 in 248958 control chromosomes. c.3119_3120delTT has been reported in the literature in individuals affected with Hereditary Non-Polyposis Colon Cancer and lung cancer (Sun_2019, Cruz-Correa_2015, Roncari_2007). To our knowledge, no experimental evidence demonstrating an impact on protein function has been reported. Four clinical diagnostic laboratories have submitted clinical-significance assessments for this variant to ClinVar after 2014 without evidence for independent evaluation. All laboratories classified the variant as pathogenic. Based on the evidence outlined above, the variant was classified as pathogenic.

Quest Diagnostics Nichols Institute San Juan Capistrano
Classification: Pathogenic. Last evaluated: 2020-03-16. Review status: criteria provided, single submitter. Criteria: Quest Diagnostics criteria. Collection method: clinical testing. Allele origin: unknown. Not counted in ClinVar's aggregate classification.
Comment: The MSH6 c.3119_3120del (p.Phe1040*) variant alters the translational reading frame of the MSH6 mRNA and causes the premature termination of MSH6 protein synthesis. This variant has been reported in the published literature in individuals and families affected with Lynch syndrome associated cancers (PMIDs: 17718861 (2007), 25782445 (2015), 31297337 (2019)). The frequency of this variant in the general population, 0.000004 (1/248958 chromosomes (Genome Aggregation Database)), is consistent with pathogenicity. Based on the available information, this variant is classified as pathogenic.

Juno Genomics, Hangzhou Juno Genomics, Inc
Classification: Pathogenic for Lynch syndrome 5. Review status: criteria provided, single submitter. Criteria: ACMG Guidelines, 2015. Collection method: clinical testing. Allele origin: germline. Not counted in ClinVar's aggregate classification.
Comment: Absent from controls (or at extremely low frequency if recessive) in Genome Aggregation Database.;Null variant in a gene where loss of function (LOF) is a known mechanism of disease.;Patient's phenotype or family history is highly specific for a disease with a single genetic etiology.

Literature cited by the submitters: PubMed 18269114 (cited by Labcorp Genetics (formerly Invitae), Labcorp); PubMed 24362816 (cited by Labcorp Genetics (formerly Invitae), Labcorp); PubMed 17718861 (cited by 7 submitters); PubMed 9354786 (cited by Dasa); PubMed 11709755 (cited by Dasa); PubMed 14974087 (cited by Dasa); PubMed 25782445 (cited by 6 submitters); PubMed 28449805 (cited by 5 submitters); PubMed 28874130 (cited by 6 submitters); PubMed 31297337 (cited by 4 submitters).